The following is an entry in ClinVar:

NM_007208.4(MRPL3):c.548A>T (p.Asp183Val)

Gene: MRPL3 (mitochondrial ribosomal protein L3; minus strand). Cytogenetic location: 3q22.1.
Variant type: single nucleotide variant.
Coding change: c.548A>T on transcript NM_007208.4 (MANE Select); coding-DNA position 548, A replaced by T.
Protein change: p.Asp183Val; replaces aspartic acid 183 with valine.
Molecular consequence: missense variant.
Genome position (GRCh38, 1-based): chr3:131,490,001, T>A on the plus strand (A>T on the coding strand, the complement: MRPL3 is on the minus strand). VCF-style: chr3-131490001-T-A. GRCh37 (hg19) VCF-style: chr3-131208845-T-A.
Other names: short protein forms D183V.
Identifiers: ClinVar variation 1992449 (VCV001992449.4), dbSNP rs1934217888, ClinGen allele CA354548993.

ClinVar aggregate classification (germline): Uncertain significance (1 of 4 stars; one submission).

gnomAD v4.1: 3 of 1,608,654 alleles (0.00019%); highest among the groups gnomAD compares: South Asian, 0.0011%; no homozygotes.

Submission:

Labcorp Genetics (formerly Invitae), Labcorp
Classification: Uncertain significance. Last evaluated: 2022-08-28. Review status: criteria provided, single submitter. Criteria: Invitae Variant Classification Sherloc (09022015). Collection method: clinical testing. Allele origin: germline.
Comment: This sequence change replaces aspartic acid, which is acidic and polar, with valine, which is neutral and non-polar, at codon 183 of the MRPL3 protein (p.Asp183Val). This variant is not present in population databases (gnomAD no frequency). This variant has not been reported in the literature in individuals affected with MRPL3-related conditions. Algorithms developed to predict the effect of missense changes on protein structure and function are either unavailable or do not agree on the potential impact of this missense change (SIFT: "Deleterious"; PolyPhen-2: "Possibly Damaging"; Align-GVGD: "Class C0"). In summary, the available evidence is currently insufficient to determine the role of this variant in disease. Therefore, it has been classified as a Variant of Uncertain Significance.